The following is an entry in ClinVar:

NM_001042492.3(NF1):c.628T>C (p.Leu210=)

Gene: NF1 (neurofibromin 1; plus strand). Cytogenetic location: 17q11.2.
Variant type: single nucleotide variant.
Coding change: c.628T>C on transcript NM_001042492.3 (MANE Select); coding-DNA position 628, T replaced by C.
Protein change: p.Leu210=; no amino-acid change (leucine 210 retained).
Molecular consequence: synonymous variant.
Genome position (GRCh38, 1-based): chr17:31,181,463, T>C. VCF-style: chr17-31181463-T-C. GRCh37 (hg19) VCF-style: chr17-29508481-T-C.
Other names: c.628T>C, p.Leu210= (NM_000267.4, NM_001128147.3).
Identifiers: ClinVar variation 237584 (VCV000237584.16), dbSNP rs757812365, ClinGen allele CA8485575.
Genomic context (GRCh38, chr17:31,181,463, plus strand): 5'-AAAATTGTGTTTTTTCCAGAAACAGCATTTAAATTTAAAGCCCTAAAGAAGGTTGCGCAG[T>C]TAGCAGTTATAAATAGCCTGGAAAAGGTAAGTTACAACCTCTCTGGTATTAAAATTTTGT-3'
Protein context (NP_001035957.1, residues 200-220): KFKALKKVAQ[Leu210=]AVINSLEKAF

ClinVar aggregate classification (germline): Benign/Likely benign. Review status: criteria provided, multiple submitters, no conflicts (2 of 4 stars). 5 submissions from 5 submitters: Benign (1); Likely benign (3). 1 of the submissions does not count toward it. Last evaluated 2026-05-14.

Conditions:
NF1-related disorder. Also called: NF1-related condition. Identifiers: MedGen CN379171.
Hereditary cancer-predisposing syndrome. Also called: Hereditary neoplastic syndrome; Neoplastic Syndromes, Hereditary; Hereditary Cancer Syndrome; Tumor predisposition. Identifiers: Orphanet 140162, MedGen C0027672, MeSH D009386, MONDO:0015356.
Neurofibromatosis, type 1 (NF1). Also called: NEUROFIBROMATOSIS, TYPE I, SOMATIC; Neurofibromatosis, type I; VON RECKLINGHAUSEN DISEASE; Peripheral type neurofibromatosis. Identifiers: Orphanet 636, MedGen C0027831, MONDO:0018975, OMIM 162200. Disease mechanism: loss of function.

Allele frequency attached by ClinVar (database versions not stated): TOPMed 0.00003; gnomAD 0.00002; gnomAD exomes 0.00001 and below 0.00001; ExAC 0.00001.
gnomAD v4.1: 8 of 1,613,504 alleles (0.0005%); highest among the groups gnomAD compares: African/African-American, 0.0093%; no homozygotes.

Submissions (5):

Myriad Genetics, Inc.
Classification: Benign for Neurofibromatosis, type 1. Last evaluated: 2026-05-14. Review status: criteria provided, single submitter. Criteria: Myriad Autosomal Dominant, Autosomal Recessive and X-Linked Classification Criteria (2023). Collection method: clinical testing. Allele origin: unknown.
Comment: This variant is considered benign. This variant is a silent/synonymous amino acid change and it is not expected to impact splicing.

Labcorp Genetics (formerly Invitae), Labcorp
Classification: Likely benign for Neurofibromatosis, type 1. Last evaluated: 2025-12-24. Review status: criteria provided, single submitter. Criteria: Invitae Variant Classification Sherloc (09022015). Collection method: clinical testing. Allele origin: germline.

Genome-Nilou Lab
Classification: Likely benign for Neurofibromatosis, type 1. Last evaluated: 2022-03-15. Review status: criteria provided, single submitter. Criteria: ACMG Guidelines, 2015. Collection method: clinical testing. Allele origin: germline. Affected: no.

Ambry Genetics
Classification: Likely benign for Hereditary cancer-predisposing syndrome. Last evaluated: 2016-01-14. Review status: criteria provided, single submitter. Criteria: Ambry Autosomal Dominant and X-Linked criteria (10/2015). Collection method: clinical testing. Allele origin: germline. Observed: 1 variant allele.
Comment: Synonymous alterations with insufficient evidence to classify as benign

PreventionGenetics, part of Exact Sciences
Classification: Likely benign for NF1-related condition. Last evaluated: 2022-02-08. Review status: no assertion criteria provided. Collection method: clinical testing. Allele origin: germline. Not counted in ClinVar's aggregate classification.
Comment: This variant is classified as likely benign based on ACMG/AMP sequence variant interpretation guidelines (Richards et al. 2015 PMID: 25741868, with internal and published modifications).